The following is an entry in ClinVar:

ClinVar aggregate classification (germline): Benign. Review status: criteria provided, multiple submitters, no conflicts (2 of 4 stars). 3 submissions from 3 submitters: Benign (3). Last evaluated 2018-11-12.

Conditions:
Hypomaturation-hypoplastic amelogenesis imperfecta with taurodontism. Also called: Amelogenesis imperfecta, type IV. Identifiers: Orphanet 100034, Orphanet 88661, MedGen C1863012, MONDO:0007093, OMIM 104510. Disease mechanism: loss of function.

Allele frequency attached by ClinVar (database versions not stated): gnomAD 0.08249 and 0.08569; TOPMed 0.09435; 1000 Genomes Project 30x 0.12961; 1000 Genomes Project 0.13918.

Submissions (3):

GeneDx
Classification: Benign. Last evaluated: 2018-11-12. Review status: criteria provided, single submitter. Criteria: GeneDx Variant Classification Process June 2021. Collection method: clinical testing. Allele origin: germline. Affected: yes.

Illumina Laboratory Services, Illumina
Classification: Benign for Hypomaturation-hypoplastic amelogenesis imperfecta with taurodontism. Last evaluated: 2018-01-13. Review status: criteria provided, single submitter. Criteria: ICSL Variant Classification Criteria 13 December 2019. Collection method: clinical testing. Allele origin: germline.
Comment: This variant was observed in the ICSL laboratory as part of a predisposition screen in an ostensibly healthy population. It had not been previously curated by ICSL or reported in the Human Gene Mutation Database (HGMD: prior to June 1st, 2018), and was therefore a candidate for classification through an automated scoring system. Utilizing variant allele frequency, disease prevalence and penetrance estimates, and inheritance mode, an automated score was calculated to assess if this variant is too frequent to cause the disease. Based on the score and internal cut-off values, a variant classified as benign is not then subjected to further curation. The score for this variant resulted in a classification of benign for this disease.

Breakthrough Genomics
Classification: Benign. Review status: criteria provided, single submitter. Criteria: ACMG Guidelines, 2015. Collection method: not provided. Allele origin: germline. Inheritance: Autosomal dominant inheritance. Affected: yes.

NM_005220.3(DLX3):c.-134C>A

Gene: DLX3 (distal-less homeobox 3; minus strand). Cytogenetic location: 17q21.33.
Variant type: single nucleotide variant.
Coding change: c.-134C>A on transcript NM_005220.3 (MANE Select); 134 bases upstream of the start codon, C replaced by A.
Molecular consequence: 5 prime UTR variant.
Genome position (GRCh38, 1-based): chr17:49,995,132, G>T on the plus strand (C>A on the coding strand, the complement: DLX3 is on the minus strand). VCF-style: chr17-49995132-G-T. GRCh37 (hg19) VCF-style: chr17-48072496-G-T.
Identifiers: ClinVar variation 324032 (VCV000324032.9), dbSNP rs10459948, ClinGen allele CA10640038.
Genomic context (GRCh38, chr17:49,995,132, plus strand): 5'-GAAGAGACGAGGCAGGGGTGTGTGTCCAGAAGGCGAAGGGAGGACCCGGCCGCGTCTGGG[G>T]GGAGGGGGAGGCCGAGAGGCGCTTACACCATTGCCTGCCGTCAGGCGGTCGCTGCGCGCC-3'